The following is an entry in ClinVar:

ClinVar aggregate classification (germline): Uncertain significance (1 of 4 stars; one submission).

Submission:

Ambry Genetics
Classification: Uncertain significance. Last evaluated: 2023-09-15. Review status: criteria provided, single submitter. Criteria: Ambry Variant Classification Scheme 2023. Collection method: clinical testing. Allele origin: germline.
Comment: The p.R2043P variant (also known as c.6128G>C), located in coding exon 19 of the POLQ gene, results from a G to C substitution at nucleotide position 6128. The arginine at codon 2043 is replaced by proline, an amino acid with dissimilar properties. This amino acid position is conserved. In addition, the in silico prediction for this alteration is inconclusive. Since supporting evidence is limited at this time, the clinical significance of this alteration remains unclear.

NM_199420.4(POLQ):c.6128G>C (p.Arg2043Pro)

Gene: POLQ (DNA polymerase theta; minus strand). Cytogenetic location: 3q13.33.
Variant type: single nucleotide variant.
Coding change: c.6128G>C on transcript NM_199420.4 (MANE Select); coding-DNA position 6128, G replaced by C.
Protein change: p.Arg2043Pro; replaces arginine 2043 with proline.
Molecular consequence: missense variant.
Genome position (GRCh38, 1-based): chr3:121,481,655, C>G on the plus strand (G>C on the coding strand, the complement: POLQ is on the minus strand). VCF-style: chr3-121481655-C-G. GRCh37 (hg19) VCF-style: chr3-121200502-C-G.
Other names: short protein forms R2043P.
Identifiers: ClinVar variation 3230092 (VCV003230092.1), dbSNP rs1170864124, ClinGen allele CA354087768.